The following is an entry in ClinVar:

NM_017909.4(RMND1):c.729+313G>A

Gene: RMND1 (required for meiotic nuclear division 1 homolog; minus strand). Cytogenetic location: 6q25.1.
Variant type: single nucleotide variant.
Coding change: c.729+313G>A on transcript NM_017909.4 (MANE Select); 313 bases into the intron after coding-DNA position 729, G replaced by A.
Molecular consequence: intron variant.
Genome position (GRCh38, 1-based): chr6:151,429,825, C>T on the plus strand (G>A on the coding strand, the complement: RMND1 is on the minus strand). VCF-style: chr6-151429825-C-T. GRCh37 (hg19) VCF-style: chr6-151750960-C-T.
Other names: c.219+313G>A (NM_001271937.2).
Identifiers: ClinVar variation 669561 (VCV000669561.1), dbSNP rs72997908, ClinGen allele CA15430845.

ClinVar aggregate classification (germline): Benign (1 of 4 stars; one submission).

Allele frequency attached by ClinVar (database versions not stated): 1000 Genomes Project 30x 0.02498; 1000 Genomes Project 0.02516; TOPMed 0.04551; gnomAD 0.05015 and 0.05227.
gnomAD v4.1: 7,746 of 152,198 alleles (5.1%); highest among the groups gnomAD compares: Non-Finnish European, 6.7%; 289 homozygotes.

Submission:

GeneDx
Classification: Benign. Last evaluated: 2018-06-16. Review status: criteria provided, single submitter. Criteria: GeneDx Variant Classification (06012015). Collection method: clinical testing. Allele origin: germline. Affected: yes.
Comment: This variant is considered likely benign or benign based on one or more of the following criteria: it is a conservative change, it occurs at a poorly conserved position in the protein, it is predicted to be benign by multiple in silico algorithms, and/or has population frequency not consistent with disease.